The following is an entry in ClinVar:

ClinVar aggregate classification (germline): Pathogenic (1 of 4 stars; one submission).

Conditions:
Inborn genetic diseases. Identifiers: MedGen C0950123, MeSH D030342.

Submission:

Ambry Genetics
Classification: Pathogenic for Inborn genetic diseases. Last evaluated: 2025-02-18. Review status: criteria provided, single submitter. Criteria: Ambry Variant Classification Scheme 2023. Collection method: clinical testing. Allele origin: germline.
Comment: The c.995delCinsTCT alteration, located in exon 10 (coding exon 8) of the PHF21A gene, consists of an deletion of 1 and insertion of 3 nucleotides causing a translational frameshift at position 995 with a predicted alternate stop codon after 2 amino acids. This alteration is expected to result in loss of function by premature protein truncation or nonsense-mediated mRNA decay. This variant was not reported in population-based cohorts in the Genome Aggregation Database (gnomAD). Based on the available evidence, this alteration is classified as pathogenic.

NM_001352027.3(PHF21A):c.998delinsTCT (p.Thr333fs)

Gene: PHF21A (PHD finger protein 21A; minus strand). Cytogenetic location: 11p11.2.
Variant type: Indel.
Coding change: c.998delinsTCT on transcript NM_001352027.3 (MANE Select); coding-DNA position 998, C replaced by TCT.
Protein change: p.Thr333fs; shifts the reading frame from threonine 333.
Molecular consequence: frameshift variant. On other transcripts: non-coding transcript variant (2).
Genome position (GRCh38, 1-based): chr11:45,953,624, G replaced by AGA on the plus strand (C replaced by TCT on the coding strand, the reverse complement: PHF21A is on the minus strand). VCF-style: chr11-45953624-G-AGA. GRCh37 (hg19) VCF-style: chr11-45975175-G-AGA.
Other names: c.995delinsTCT, p.Thr332fs (NM_001101802.3, NM_001352030.3, NM_001352031.3 and 1 more transcripts); c.998delinsTCT, p.Thr333fs (NM_001352025.3, NM_001352026.3, NM_001352028.1 and 2 more transcripts); short protein forms T333fs, T332fs.
Identifiers: ClinVar variation 3888281 (VCV003888281.1).
Genomic context (GRCh38, chr11:45,953,624, plus strand): 5'-GGTGGGGTGATGGTGCGGCTCTCTGTTTGTTTCTCATCTGTTTCTGTGTGAGATTTAACT[G>AGA]TCTAGGAGAGAAAAATTAAATAAAAATTCAGAATTCGTTTTTTATTAAAAGGATGAAGCA-3'